The following is an entry in ClinVar:

ClinVar aggregate classification (germline): Pathogenic (1 of 4 stars; one submission).

Conditions:
Familial adenomatous polyposis 1 (FAP1). Also called: POLYPOSIS, ADENOMATOUS INTESTINAL; FAMILIAL ADENOMATOUS POLYPOSIS 1, ATTENUATED. Identifiers: MedGen C2713442, MONDO:0021056, OMIM 175100. Disease mechanism: loss of function.

Submission:

Myriad Genetics, Inc.
Classification: Pathogenic for Familial adenomatous polyposis 1. Last evaluated: 2023-05-11. Review status: criteria provided, single submitter. Criteria: Myriad Autosomal Dominant, Autosomal Recessive and X-Linked Classification Criteria (2023). Collection method: clinical testing. Allele origin: unknown.
Comment: This variant is considered pathogenic. This variant creates a frameshift predicted to result in premature protein truncation.

NM_000038.6(APC):c.4507_4510del (p.Ser1503fs)

Gene: APC (APC regulator of Wnt signaling pathway; plus strand). Cytogenetic location: 5q22.2.
Variant type: Deletion.
Coding change: c.4507_4510del on transcript NM_000038.6 (MANE Select); coding-DNA positions 4507 to 4510, 4 bases deleted (TCAT; older notation c.4507_4510delTCAT).
Protein change: p.Ser1503fs; shifts the reading frame from serine 1503.
Molecular consequence: frameshift variant. On other transcripts: non-coding transcript variant (2).
Genome position (GRCh38, 1-based): chr5:112,840,101-112,840,104, TCAT deleted; deleting any 4 consecutive bases within chr5:112,840,100-112,840,104 gives the same sequence; the c. name uses the placement nearest the transcript's 3' end. VCF-style (leftmost placement, unchanged base first): chr5-112840099-GTTCA-G. GRCh37 (hg19) VCF-style: chr5-112175796-GTTCA-G.
Other names: c.4507_4510del, p.Ser1503fs (NM_001127510.3, NM_001354895.2, NM_001407450.1); c.4453_4456del, p.Ser1485fs (NM_001127511.3); c.4561_4564del, p.Ser1521fs (NM_001354896.2, NM_001407447.1, NM_001407448.1 and 1 more transcripts); c.4537_4540del, p.Ser1513fs (NM_001354897.2); c.4432_4435del, p.Ser1478fs (NM_001354898.2); c.4423_4426del, p.Ser1475fs (NM_001354899.2); c.4384_4387del, p.Ser1462fs (NM_001354900.2); c.4330_4333del, p.Ser1444fs (NM_001354901.2, NM_001407453.1); and 11 more; short protein forms S1119fs, S1220fs, S1343fs, S1374fs, S1377fs, S1402fs, S1412fs, S1420fs.
Identifiers: ClinVar variation 2583500 (VCV002583500.2), dbSNP rs2533579552, ClinGen allele CA2582341310.